The following is an entry in ClinVar:

NM_017617.5(NOTCH1):c.3468C>T (p.Asn1156=)

Gene: NOTCH1 (notch receptor 1; minus strand). Cytogenetic location: 9q34.3.
Variant type: single nucleotide variant.
Coding change: c.3468C>T on transcript NM_017617.5 (MANE Select); coding-DNA position 3468, C replaced by T.
Protein change: p.Asn1156=; no amino-acid change (asparagine 1156 retained).
Molecular consequence: synonymous variant.
Genome position (GRCh38, 1-based): chr9:136,507,997, G>A on the plus strand (C>T on the coding strand, the complement: NOTCH1 is on the minus strand). VCF-style: chr9-136507997-G-A. GRCh37 (hg19) VCF-style: chr9-139402449-G-A.
Other names: c.3468C>T, p.Asn1156= (LRG_1122t1); c.3468C>T (NM_017617.4).
Identifiers: ClinVar variation 595952 (VCV000595952.22), dbSNP rs199793164, ClinGen allele CA5340923.

ClinVar aggregate classification (germline): Conflicting classifications of pathogenicity. Review status: criteria provided, conflicting classifications (1 of 4 stars). 6 submissions from 6 submitters: Uncertain significance (1); Likely benign (4). 1 of the submissions does not count toward it. Last evaluated 2025-09-09.

Conditions:
Adams-Oliver syndrome 5 (AOS5). Identifiers: Orphanet 974, MedGen C4014970, MONDO:0014459, OMIM 616028.
NOTCH1-related disorder. Also called: NOTCH1-related condition; NOTCH1-related disorders.
Familial thoracic aortic aneurysm and aortic dissection (TAAD). Also called: Thoracic aortic aneurysms and dissections. Identifiers: Orphanet 91387, MedGen C4707243, MONDO:0019625.

Allele frequency attached by ClinVar (database versions not stated): gnomAD exomes 0.00005 and 0.00009; TOPMed 0.00005; ExAC 0.00006; gnomAD 0.00007.
gnomAD v4.1: 81 of 1,612,602 alleles (0.005%); highest among the groups gnomAD compares: East Asian, 0.029%; no homozygotes.

Submissions (6):

Labcorp Genetics (formerly Invitae), Labcorp
Classification: Likely benign for Adams-Oliver syndrome 5. Last evaluated: 2025-09-09. Review status: criteria provided, single submitter. Criteria: Invitae Variant Classification Sherloc (09022015). Collection method: clinical testing. Allele origin: germline.

Ambry Genetics
Classification: Likely benign for Familial thoracic aortic aneurysm and aortic dissection. Last evaluated: 2025-05-07. Review status: criteria provided, single submitter. Criteria: Ambry Variant Classification Scheme 2023. Collection method: clinical testing. Allele origin: germline.

Blueprint Genetics
Classification: Likely benign. Last evaluated: 2024-10-08. Review status: criteria provided, single submitter. Criteria: ACMG Guidelines, 2015. Collection method: clinical testing. Allele origin: germline.

GeneDx
Classification: Likely benign. Last evaluated: 2020-01-06. Review status: criteria provided, single submitter. Criteria: GeneDx Variant Classification Process June 2021. Collection method: clinical testing. Allele origin: germline. Affected: yes.
Comment: See Variant Classification Assertion Criteria.

Eurofins Ntd Llc (ga)
Classification: Uncertain significance. Last evaluated: 2018-02-14. Review status: criteria provided, single submitter. Criteria: EGL ClinVar v180209 classification definitions. Collection method: clinical testing. Allele origin: germline. Observed: 1 variant allele, 1 heterozygote.

PreventionGenetics, part of Exact Sciences
Classification: Likely benign for NOTCH1-related condition. Last evaluated: 2023-02-15. Review status: no assertion criteria provided. Collection method: clinical testing. Allele origin: germline. Not counted in ClinVar's aggregate classification.
Comment: This variant is classified as likely benign based on ACMG/AMP sequence variant interpretation guidelines (Richards et al. 2015 PMID: 25741868, with internal and published modifications).